The following is an entry in ClinVar:

ClinVar aggregate classification (germline): Uncertain significance (1 of 4 stars; one submission).

Conditions:
Rhabdoid tumor predisposition syndrome 2 (RTPS2). Identifiers: Orphanet 231108, Orphanet 69077, MedGen C2750074, MONDO:0013224, OMIM 613325.

Submission:

Labcorp Genetics (formerly Invitae), Labcorp
Classification: Uncertain significance for Rhabdoid tumor predisposition syndrome 2. Last evaluated: 2026-01-26. Review status: criteria provided, single submitter. Criteria: Invitae Variant Classification Sherloc (09022015). Collection method: clinical testing. Allele origin: germline.
Comment: This sequence change replaces phenylalanine, which is neutral and non-polar, with leucine, which is neutral and non-polar, at codon 1246 of the SMARCA4 protein (p.Phe1246Leu). This variant is not present in population databases (gnomAD no frequency). This variant has not been reported in the literature in individuals affected with SMARCA4-related conditions. Invitae Evidence Modeling of protein sequence and biophysical properties (such as structural, functional, and spatial information, amino acid conservation, physicochemical variation, residue mobility, and thermodynamic stability) has been performed for this missense variant. However, the output from this modeling did not meet the statistical confidence thresholds required to predict the impact of this variant on SMARCA4 protein function. In summary, the available evidence is currently insufficient to determine the role of this variant in disease. Therefore, it has been classified as a Variant of Uncertain Significance.

NM_003072.5(SMARCA4):c.3738C>G (p.Phe1246Leu)

Gene: SMARCA4 (SWI/SNF related BAF chromatin remodeling complex subunit ATPase 4; plus strand). Cytogenetic location: 19p13.2.
Variant type: single nucleotide variant.
Coding change: c.3738C>G on transcript NM_003072.5 (MANE Select); coding-DNA position 3738, C replaced by G.
Protein change: p.Phe1246Leu; replaces phenylalanine 1246 with leucine.
Molecular consequence: missense variant. On other transcripts: non-coding transcript variant (1).
Genome position (GRCh38, 1-based): chr19:11,033,481, C>G. VCF-style: chr19-11033481-C-G. GRCh37 (hg19) VCF-style: chr19-11144157-C-G.
Other names: c.3738C>G, p.Phe1246Leu (NM_001128844.3, NM_001128845.2, NM_001128846.2 and 6 more transcripts); short protein forms F1246L.
Identifiers: ClinVar variation 4802579 (VCV004802579.1).